The following is an entry in ClinVar:

NM_001395460.1(TENM2):c.8067C>T (p.Asp2689=)

Gene: TENM2 (teneurin transmembrane protein 2; plus strand). Cytogenetic location: 5q34.
Variant type: single nucleotide variant.
Coding change: c.8067C>T on transcript NM_001395460.1 (MANE Select); coding-DNA position 8067, C replaced by T.
Protein change: p.Asp2689=; no amino-acid change (aspartic acid 2689 retained).
Molecular consequence: synonymous variant.
Genome position (GRCh38, 1-based): chr5:168,262,552, C>T. VCF-style: chr5-168262552-C-T. GRCh37 (hg19) VCF-style: chr5-167689557-C-T.
Other names: c.7350C>T, p.Asp2450= (NM_001080428.3); c.8040C>T, p.Asp2680= (NM_001122679.2); c.7590C>T, p.Asp2530= (NM_001368145.1); c.7584C>T, p.Asp2528= (NM_001368146.1).
Identifiers: ClinVar variation 3770652 (VCV003770652.13).

ClinVar aggregate classification (germline): Likely benign (1 of 4 stars; one submission).

gnomAD v4.1: 2,867 of 1,558,990 alleles (0.18%); highest among the groups gnomAD compares: South Asian, 0.41%; 11 homozygotes.

Submission:

CeGaT Center for Human Genetics Tuebingen
Classification: Likely benign. Last evaluated: 2025-01-01. Review status: criteria provided, single submitter. Criteria: CeGaT Center For Human Genetics Tuebingen Variant Classification Criteria Version 2. Collection method: clinical testing. Allele origin: germline. Affected: yes. Observed: 1 variant allele.
Comment: TENM2: BP4, BP7